The following is an entry in ClinVar:

NM_001776.6(ENTPD1):c.185T>G (p.Leu62Ter)

Genes: ENTPD1 (ectonucleoside triphosphate diphosphohydrolase 1; plus strand), ENTPD1-AS1 (ENTPD1 antisense RNA 1; minus strand). Cytogenetic location: 10q24.1.
Variant type: single nucleotide variant.
Coding change: c.185T>G on transcript NM_001776.6 (MANE Select); coding-DNA position 185, T replaced by G.
Protein change: p.Leu62Ter; replaces leucine 62 with a stop codon.
Molecular consequence: nonsense. On other transcripts: 5 prime UTR variant (3), intron variant (1).
Genome position (GRCh38, 1-based): chr10:95,839,731, T>G. VCF-style: chr10-95839731-T-G. GRCh37 (hg19) VCF-style: chr10-97599488-T-G.
Other names: c.206T>G, p.Leu69Ter (NM_001098175.2); c.221T>G, p.Leu74Ter (NM_001164178.1, NM_001320916.1); c.185T>G, p.Leu62Ter (NM_001164179.2); c.-140T>G (NM_001164181.1, NM_001312654.1); c.-79T>G (NM_001164182.2); c.-1-4745T>G (NM_001164183.2); short protein forms L62*, L69*, L74*.
Identifiers: ClinVar variation 3771866 (VCV003771866.13).

ClinVar aggregate classification (germline): Pathogenic (1 of 4 stars; one submission).

Submission:

CeGaT Center for Human Genetics Tuebingen
Classification: Pathogenic. Last evaluated: 2024-12-01. Review status: criteria provided, single submitter. Criteria: CeGaT Center For Human Genetics Tuebingen Variant Classification Criteria Version 2. Collection method: clinical testing. Allele origin: germline. Affected: yes. Observed: 1 variant allele.
Comment: ENTPD1: PVS1, PM2, PM3